The following is an entry in ClinVar:

NG_009830.1:g.(41245_49339)_(137044_147250)dup

Genes: ATM (ATM serine/threonine kinase; plus strand), C11orf65 (chromosome 11 open reading frame 65; minus strand), LOC128772356 (melanoma risk locus-associated MPRA allelic enhancer 11:108140516; plus strand), LOC129390354 (MPRA-validated peak1451 silencer; plus strand). Cytogenetic location: 11q22.3.
Variant type: Duplication.
Identifiers: ClinVar variation 559940 (VCV000559940.2).

ClinVar aggregate classification (germline): Pathogenic (0 of 4 stars; one submission).

Conditions:
Ataxia-telangiectasia syndrome (AT). Also called: Ataxia telangiectasia (A-T); Ataxia-telangiectasia, complementation group D; AT, COMPLEMENTATION GROUP C; ATAXIA-TELANGIECTASIA, COMPLEMENTATION GROUP A; Ataxia-telangiectasia, complementation group E; ATAXIA-TELANGIECTASIA, FRESNO VARIANT. Identifiers: Orphanet 100, MedGen C0004135, MONDO:0008840, OMIM 208900.

Submission:

HUSP Clinical Genetics Laboratory, Hospital Universitario San Pedro De Logroño (HUSP)
Classification: Pathogenic for Ataxia-telangiectasia syndrome. Last evaluated: 2018-07-26. Review status: no assertion criteria provided. Collection method: clinical testing, case-control. Allele origin: germline. Inheritance: Autosomal recessive inheritance. Affected: yes and no. Observed: 1 heterozygote, 1 compound heterozygote.